The following is an entry in ClinVar:

ClinVar aggregate classification (germline): Likely benign. Review status: criteria provided, multiple submitters, no conflicts (2 of 4 stars). 2 submissions from 2 submitters: Likely benign (2). Last evaluated 2023-10-13.

Conditions:
Fanconi anemia (FA). Also called: Fanconi's anemia. Identifiers: Orphanet 84, MedGen C0015625, MeSH D005199, MONDO:0019391.

Allele frequency attached by ClinVar (database versions not stated): gnomAD exomes 0.00001 and below 0.00001.
gnomAD v4.1: 2 of 1,614,194 alleles (0.00012%); highest among the groups gnomAD compares: East Asian, 0.0022%; no homozygotes.

Submissions (2):

Labcorp Genetics (formerly Invitae), Labcorp
Classification: Likely benign for Fanconi anemia. Last evaluated: 2023-10-13. Review status: criteria provided, single submitter. Criteria: Invitae Variant Classification Sherloc (09022015). Collection method: clinical testing. Allele origin: germline.

CeGaT Center for Human Genetics Tuebingen
Classification: Likely benign. Last evaluated: 2023-01-01. Review status: criteria provided, single submitter. Criteria: CeGaT Center For Human Genetics Tuebingen Variant Classification Criteria Version 2. Collection method: clinical testing. Allele origin: germline. Affected: yes. Observed: 1 variant allele.
Comment: FANCD2: BP4, BP7

NM_001018115.3(FANCD2):c.4281+42C>T

Genes: FANCD2 (FA complementation group D2; plus strand), FANCD2OS (FANCD2 opposite strand; minus strand). Cytogenetic location: 3p25.3.
Variant type: single nucleotide variant.
Coding change: c.4281+42C>T on transcript NM_001018115.3 (MANE Select); 42 bases into the intron after coding-DNA position 4281, C replaced by T.
Molecular consequence: intron variant. On other transcripts: synonymous variant (2).
Genome position (GRCh38, 1-based): chr3:10,098,857, C>T. VCF-style: chr3-10098857-C-T. GRCh37 (hg19) VCF-style: chr3-10140541-C-T.
Other names: c.4284C>T, p.Cys1428= (NM_001374254.1); c.4323C>T, p.Cys1441= (NM_033084.6); c.4281+42C>T (NM_001319984.2); c.4170+42C>T (NM_001374253.1); c.*43+5341G>A (NM_173472.2).
Identifiers: ClinVar variation 1077569 (VCV001077569.32), dbSNP rs1415649585, ClinGen allele CA432535717.
Genomic context (GRCh38, chr3:10,098,857, plus strand): 5'-CAAGAGCAAAGCCACTGAGGTATCTCTACAAAACCCACCAGAGTCTGGCACTGATGGTTG[C>T]ATTTTGTTAATTGTTCTAAGTTGGTGGAGCAGAACTTTGCCTACTTATGTTTATTGTCAA-3'